The following is an entry in ClinVar:

ClinVar aggregate classification (germline): Pathogenic (1 of 4 stars; one submission).

Submission:

Labcorp Genetics (formerly Invitae), Labcorp
Classification: Pathogenic. Last evaluated: 2023-08-29. Review status: criteria provided, single submitter. Criteria: Invitae Variant Classification Sherloc (09022015). Collection method: clinical testing. Allele origin: unknown.
Comment: For these reasons, this variant has been classified as Pathogenic. This variant has not been reported in the literature in individuals affected with KCNJ11-related conditions. A gross deletion of the genomic region encompassing the full coding sequence of the KCNJ11 gene has been identified. Loss-of-function variants in KCNJ11 are known to be pathogenic (PMID: 9356020, 18767144, 23345197, 32027066). The boundaries of this event are unknown as they extend beyond the assayed region for this gene and therefore may encompass additional genes.

Literature cited by the submitters: PubMed 9356020; PubMed 18767144; PubMed 23345197; PubMed 32027066.

NC_000011.9:g.(?_17408466)_(17434313_?)del

Genes: ABCC8 (ATP binding cassette subfamily C member 8; minus strand), KCNJ11 (potassium inwardly rectifying channel subfamily J member 11; minus strand). Cytogenetic location: 11p15.1.
Variant type: Deletion.
Identifiers: ClinVar variation 3244735 (VCV003244735.1).